The following is an entry in ClinVar:

NM_015192.4(PLCB1):c.2708C>A (p.Thr903Lys)

Gene: PLCB1 (phospholipase C beta 1; plus strand). Cytogenetic location: 20p12.3.
Variant type: single nucleotide variant.
Coding change: c.2708C>A on transcript NM_015192.4 (MANE Select); coding-DNA position 2708, C replaced by A.
Protein change: p.Thr903Lys; replaces threonine 903 with lysine.
Molecular consequence: missense variant.
Genome position (GRCh38, 1-based): chr20:8,760,458, C>A. VCF-style: chr20-8760458-C-A. GRCh37 (hg19) VCF-style: chr20-8741105-C-A.
Other names: c.2708C>A, p.Thr903Lys (NM_182734.3); short protein forms T903K.
Identifiers: ClinVar variation 538891 (VCV000538891.10), dbSNP rs775341189, ClinGen allele CA408208050.

ClinVar aggregate classification (germline): Uncertain significance (1 of 4 stars; one submission).

Conditions:
Developmental and epileptic encephalopathy, 12 (DEE12). Identifiers: MedGen C3150988, MONDO:0013389, OMIM 613722.

Allele frequency attached by ClinVar (database versions not stated): TOPMed 0.00001.

Submission:

Labcorp Genetics (formerly Invitae), Labcorp
Classification: Uncertain significance for Developmental and epileptic encephalopathy, 12. Last evaluated: 2019-04-25. Review status: criteria provided, single submitter. Criteria: Invitae Variant Classification Sherloc (09022015). Collection method: clinical testing. Allele origin: germline.
Comment: This sequence change replaces threonine with lysine at codon 903 of the PLCB1 protein (p.Thr903Lys). The threonine residue is moderately conserved and there is a moderate physicochemical difference between threonine and lysine. This variant is not present in population databases (ExAC no frequency). This variant has not been reported in the literature in individuals with PLCB1-related conditions. ClinVar contains an entry for this variant (Variation ID: 538891). Algorithms developed to predict the effect of missense changes on protein structure and function (SIFT, PolyPhen-2, Align-GVGD) all suggest that this variant is likely to be tolerated, but these predictions have not been confirmed by published functional studies and their clinical significance is uncertain. In summary, the available evidence is currently insufficient to determine the role of this variant in disease. Therefore, it has been classified as a Variant of Uncertain Significance.